The following is an entry in ClinVar:

NM_033056.4(PCDH15):c.5787A>T (p.Thr1929=)

Gene: PCDH15 (protocadherin related 15; minus strand). Cytogenetic location: 10q21.1.
Variant type: single nucleotide variant.
Coding change: c.5787A>T on transcript NM_033056.4 (MANE Plus Clinical); coding-DNA position 5787, A replaced by T.
Protein change: p.Thr1929=; no amino-acid change (threonine 1929 retained).
Molecular consequence: synonymous variant. On other transcripts: intron variant (8).
Genome position (GRCh38, 1-based): chr10:53,821,939, T>A on the plus strand (A>T on the coding strand, the complement: PCDH15 is on the minus strand). VCF-style: chr10-53821939-T-A. GRCh37 (hg19) VCF-style: chr10-55581699-T-A.
Other names: c.5808A>T, p.Thr1936= (NM_001142763.2); c.5793A>T, p.Thr1931= (NM_001142764.2); c.5580A>T, p.Thr1860= (NM_001142765.2); c.5778A>T, p.Thr1926= (NM_001142766.2); c.5667A>T, p.Thr1889= (NM_001142767.2); c.5727A>T, p.Thr1909= (NM_001142768.2); c.5718A>T, p.Thr1906= (NM_001142773.2); c.5721A>T, p.Thr1907= (NM_001354404.2); and 7 more.
Identifiers: ClinVar variation 5000633 (VCV005000633.1).

ClinVar aggregate classification (germline): Likely benign (1 of 4 stars; one submission).

Conditions:
PCDH15-related disorder. Also called: PCDH15-related condition; PCDH15-related disorders.

Submission:

PreventionGenetics, part of Exact Sciences
Classification: Likely benign for PCDH15-related condition. Last evaluated: 2024-12-04. Review status: criteria provided, single submitter. Criteria: ACMG Guidelines, 2015. Collection method: clinical testing. Allele origin: germline.
Comment: This variant is classified as likely benign based on ACMG/AMP sequence variant interpretation guidelines (Richards et al. 2015 PMID: 25741868, with internal and published modifications).